The following is an entry in ClinVar:

NM_006361.6(HOXB13):c.352del (p.Glu118fs)

Gene: HOXB13 (homeobox B13; minus strand). Cytogenetic location: 17q21.32.
Variant type: Deletion.
Coding change: c.352del on transcript NM_006361.6 (MANE Select); coding-DNA position 352, one base deleted (G; older notation c.352delG).
Protein change: p.Glu118fs; shifts the reading frame from glutamic acid 118.
Molecular consequence: frameshift variant.
Genome position (GRCh38, 1-based): chr17:48,728,242, C deleted on the plus strand (G on the coding strand, the reverse complement: HOXB13 is on the minus strand); the first of 4 consecutive C bases (chr17:48,728,242-48,728,245); deleting any one gives the same sequence. VCF-style (leftmost placement, unchanged base first): chr17-48728241-TC-T. GRCh37 (hg19) VCF-style: chr17-46805603-TC-T.
Other names: c.352delG (NM_006361.5); short protein forms E118fs.
Identifiers: ClinVar variation 966226 (VCV000966226.16), dbSNP rs1306259595, ClinGen allele CA772658853.
Genomic context (GRCh38, chr17:48,728,241, plus strand): 5'-TGGTAGGTTCCCGGATATCCCGGATAGAAGGCAAACTCAGTGGGGCGGCTGGGGTACTCT[TC>T]CCCGGCCGTGGGAGTCTCCGCGGGGTACGCGGCCAGGGTGGCTGCCTGGGCACAGGGTTT-3'

ClinVar aggregate classification (germline): Uncertain significance. Review status: criteria provided, multiple submitters, no conflicts (2 of 4 stars). 5 submissions from 5 submitters: Uncertain significance (5). Last evaluated 2026-08-17.

Conditions:
Hereditary cancer-predisposing syndrome. Also called: Neoplastic Syndromes, Hereditary; Hereditary Cancer Syndrome; Tumor predisposition; Hereditary neoplastic syndrome. Identifiers: Orphanet 140162, MedGen C0027672, MeSH D009386, MONDO:0015356.
HOXB13-related disorder. Also called: HOXB13-related disorders; HOXB13-related condition.

Submissions (5):

Ambry Genetics
Classification: Uncertain significance for Hereditary cancer-predisposing syndrome. Last evaluated: 2026-08-17. Review status: criteria provided, single submitter. Criteria: Ambry Variant Classification Scheme 2023. Collection method: clinical testing. Allele origin: germline.
Comment: The c.352delG variant, located in coding exon 1 of the HOXB13 gene, results from a deletion of one nucleotide at nucleotide position 352, causing a translational frameshift with a predicted alternate stop codon (p.E118Kfs*161). This variant occurs at the 3' terminus of the gene and is not expected to trigger nonsense-mediated mRNA decay. Based on the available evidence, the clinical significance of this variant remains unclear.

Dasa
Classification: Uncertain significance. Last evaluated: 2025-12-22. Review status: criteria provided, single submitter. Criteria: DASA Assertion Criteria. Collection method: clinical testing. Allele origin: germline.
Comment: NM_006361.6(HOXB13):c.352del (p.Glu118Lysfs*161) is a frameshift variant in HOXB13 predicted to alter the reading frame and introduce a premature termination codon and is predicted to result in an absent or altered protein product. This variant is rare in population databases. The currently available literature and clinical evidence are not sufficient to establish a definitive association between this variant and the reported condition. Therefore, this variant is classified as a variant of uncertain significance.

Labcorp Genetics (formerly Invitae), Labcorp
Classification: Uncertain significance. Last evaluated: 2025-12-03. Review status: criteria provided, single submitter. Criteria: Invitae Variant Classification Sherloc (09022015). Collection method: clinical testing. Allele origin: germline.
Comment: This sequence change creates a premature translational stop signal (p.Glu118Lysfs*161) in the HOXB13 gene. While this is not anticipated to result in nonsense mediated decay, it is expected to disrupt the last 167 amino acid(s) of the HOXB13 protein. This variant is not present in population databases (gnomAD no frequency). This variant has not been reported in the literature in individuals affected with HOXB13-related conditions. ClinVar contains an entry for this variant (Variation ID: 966226). Experimental studies and prediction algorithms are not available or were not evaluated, and the functional significance of this variant is currently unknown. In summary, the available evidence is currently insufficient to determine the role of this variant in disease. Therefore, it has been classified as a Variant of Uncertain Significance.

GeneDx
Classification: Uncertain significance. Last evaluated: 2024-06-06. Review status: criteria provided, single submitter. Criteria: GeneDx Variant Classification Process June 2021. Collection method: clinical testing. Allele origin: germline. Affected: yes.
Comment: Frameshift variant predicted to result in abnormal protein length as the last 167 amino acids are replaced with 160 different amino acids in a gene for which loss-of-function is not an established mechanism of disease; Not observed at significant frequency in large population cohorts (gnomAD); Has not been previously published as pathogenic or benign to our knowledge; This variant is associated with the following publications: (PMID: 15617687, 19389631, 8756292)

PreventionGenetics, part of Exact Sciences
Classification: Uncertain significance for HOXB13-related condition. Last evaluated: 2022-11-11. Review status: criteria provided, single submitter. Criteria: ACMG Guidelines, 2015. Collection method: clinical testing. Allele origin: germline.
Comment: The HOXB13 c.352delG variant is predicted to result in a frameshift and premature protein termination (p.Glu118Lysfs*161). This variant was reported in a study of individuals of African ancestry with prostate cancer (see Supplemental Table 4 in Darst et al. 2022. PubMed ID: 35031163). It has not been reported in a large population database, indicating this variant is rare. In ClinVar, it is interpreted as a variant of uncertain significance. Very few nonsense or frameshift variants have been reported in the literature in HOXB13, At this time, the clinical significance of this variant is uncertain due to the absence of conclusive functional and genetic evidence.